The following is an entry in ClinVar:

ClinVar aggregate classification (germline): Uncertain significance (0 of 4 stars; one submission).

Conditions:
ADCY3-related disorder. Also called: ADCY3-related condition.

gnomAD v4.1: 169 of 1,613,890 alleles (0.01%); highest among the groups gnomAD compares: Non-Finnish European, 0.0096%; no homozygotes.

Submission:

PreventionGenetics, part of Exact Sciences
Classification: Uncertain significance for ADCY3-related condition. Last evaluated: 2024-07-08. Review status: no assertion criteria provided. Collection method: clinical testing. Allele origin: germline.
Comment: The ADCY3 c.1497G>A is a noncoding alteration. This variant is predicted to strengthen a cryptic splice donor site in exon 8 based on splicing prediction programs (SpliceAI, Jaganathan et al. 2019. PubMed ID: 30661751). To our knowledge, this variant has not been reported in the literature. This variant is reported in 0.12% of alleles in individuals of Ashkenazi Jewish descent in gnomAD, which may be too common to be an undocumented cause of disease. Although we suspect that this variant may be benign, at this time, the clinical significance of this variant is uncertain due to the absence of conclusive functional and genetic evidence.

NM_004036.5(ADCY3):c.1497G>A (p.Val499=)

Gene: ADCY3 (adenylate cyclase 3; minus strand). Cytogenetic location: 2p23.3.
Variant type: single nucleotide variant.
Coding change: c.1497G>A on transcript NM_004036.5 (MANE Select); coding-DNA position 1497, G replaced by A.
Protein change: p.Val499=; no amino-acid change (valine 499 retained).
Molecular consequence: synonymous variant.
Genome position (GRCh38, 1-based): chr2:24,838,481, C>T on the plus strand (G>A on the coding strand, the complement: ADCY3 is on the minus strand). VCF-style: chr2-24838481-C-T. GRCh37 (hg19) VCF-style: chr2-25061350-C-T.
Other names: c.1497G>A, p.Val499= (NM_001320613.2, NM_001377129.1, NM_001377130.1 and 1 more transcripts); c.1563G>A, p.Val521= (NM_001377128.1); c.774G>A, p.Val258= (NM_001377131.1).
Identifiers: ClinVar variation 3351863 (VCV003351863.1).